The following is an entry in ClinVar:

NM_000156.6(GAMT):c.128_135dup (p.Glu46fs)

Genes: GAMT (guanidinoacetate N-methyltransferase; minus strand), LOC130062945 (ATAC-STARR-seq lymphoblastoid silent region 9707; plus strand). Cytogenetic location: 19p13.3.
Variant type: Duplication.
Coding change: c.128_135dup on transcript NM_000156.6 (MANE Select); coding-DNA positions 128 to 135, 8 bases duplicated (AGCGCTGG; older notation c.128_135dupAGCGCTGG).
Protein change: p.Glu46fs; shifts the reading frame from glutamic acid 46.
Molecular consequence: frameshift variant.
Genome position (GRCh38, 1-based): chr19:1,401,342-1,401,349, CCAGCGCT duplicated on the plus strand (AGCGCTGG on the coding strand, the reverse complement: GAMT is on the minus strand); duplicating any 8 consecutive bases within chr19:1,401,342-1,401,352 gives the same sequence; the c. name uses the placement nearest the transcript's 3' end. VCF-style (leftmost placement, unchanged base first): chr19-1401341-C-CCCAGCGCT. GRCh37 (hg19) VCF-style: chr19-1401340-C-CCCAGCGCT.
Other names: c.128_135dup, p.Glu46fs (NM_138924.3); short protein forms E46fs.
Identifiers: ClinVar variation 1982932 (VCV001982932.4), dbSNP rs2512228836, ClinGen allele CA2580096095.

ClinVar aggregate classification (germline): Pathogenic (1 of 4 stars; one submission).

Conditions:
Cerebral creatine deficiency syndrome. Also called: Creatine deficiency syndromes. Identifiers: Orphanet 79172, MedGen C5244016, MONDO:0000456.

Submission:

Labcorp Genetics (formerly Invitae), Labcorp
Classification: Pathogenic for Cerebral creatine deficiency syndrome. Last evaluated: 2025-07-14. Review status: criteria provided, single submitter. Criteria: Invitae Variant Classification Sherloc (09022015). Collection method: clinical testing. Allele origin: germline.
Comment: This sequence change creates a premature translational stop signal (p.Glu46Serfs*71) in the GAMT gene. It is expected to result in an absent or disrupted protein product. Loss-of-function variants in GAMT are known to be pathogenic (PMID: 15108290). This variant is not present in population databases (gnomAD no frequency). This variant has not been reported in the literature in individuals affected with GAMT-related conditions. ClinVar contains an entry for this variant (Variation ID: 1982932). For these reasons, this variant has been classified as Pathogenic.

Literature cited by the submitters: PubMed 15108290.